The following is an entry in ClinVar:

ClinVar aggregate classification (germline): Benign (0 of 4 stars; one submission).

Conditions:
TLL1-related disorder. Also called: TLL1-related condition.

Allele frequency attached by ClinVar (database versions not stated): gnomAD exomes 0.00013; ExAC 0.00040; 1000 Genomes Project 0.00120; 1000 Genomes Project 30x 0.00125; gnomAD 0.00137; TOPMed 0.00147; ESP Exome Variant Server 0.00154.
gnomAD v4.1: 407 of 1,613,768 alleles (0.025%); highest among the groups gnomAD compares: African/African-American, 0.5%; 2 homozygotes.

Submission:

PreventionGenetics, part of Exact Sciences
Classification: Benign for TLL1-related condition. Last evaluated: 2019-11-14. Review status: no assertion criteria provided. Collection method: clinical testing. Allele origin: germline.
Comment: This variant is classified as benign based on ACMG/AMP sequence variant interpretation guidelines (Richards et al. 2015 PMID: 25741868, with internal and published modifications).

NM_012464.5(TLL1):c.1633A>G (p.Ile545Val)

Gene: TLL1 (tolloid like 1; plus strand). Cytogenetic location: 4q32.3.
Variant type: single nucleotide variant.
Coding change: c.1633A>G on transcript NM_012464.5 (MANE Select); coding-DNA position 1633, A replaced by G.
Protein change: p.Ile545Val; replaces isoleucine 545 with valine.
Molecular consequence: missense variant.
Genome position (GRCh38, 1-based): chr4:166,055,184, A>G. VCF-style: chr4-166055184-A-G. GRCh37 (hg19) VCF-style: chr4-166976336-A-G.
Other names: short protein forms I545V.
Identifiers: ClinVar variation 3045388 (VCV003045388.2), dbSNP rs116465330, ClinGen allele CA3130962.